The following is an entry in ClinVar:

ClinVar aggregate classification (germline): Uncertain significance (1 of 4 stars; one submission).

gnomAD v4.1: 3 of 1,614,048 alleles (0.00019%); highest among the groups gnomAD compares: African/African-American, 0.0013%; no homozygotes.

Submission:

GeneDx
Classification: Uncertain significance. Last evaluated: 2025-08-06. Review status: criteria provided, single submitter. Criteria: GeneDx Variant Classification Process June 2021. Collection method: clinical testing. Allele origin: germline. Affected: yes.
Comment: Has not been previously published as pathogenic or benign to our knowledge; Not observed at significant frequency in large population cohorts (gnomAD); In silico analysis indicates that this missense variant does not alter protein structure/function; Variants in candidate genes are classified as variants of uncertain significance in accordance with ACMG guidelines (PMID: 25741868)

NM_020774.4(MIB1):c.277A>G (p.Ile93Val)

Gene: MIB1 (MIB E3 ubiquitin protein ligase 1; plus strand). Cytogenetic location: 18q11.2.
Variant type: single nucleotide variant.
Coding change: c.277A>G on transcript NM_020774.4 (MANE Select); coding-DNA position 277, A replaced by G.
Protein change: p.Ile93Val; replaces isoleucine 93 with valine.
Molecular consequence: missense variant.
Genome position (GRCh38, 1-based): chr18:21,765,819, A>G. VCF-style: chr18-21765819-A-G. GRCh37 (hg19) VCF-style: chr18-19345780-A-G.
Other names: short protein forms I93V.
Identifiers: ClinVar variation 3373309 (VCV003373309.2).